The following is an entry in ClinVar:

ClinVar aggregate classification (germline): Uncertain significance (1 of 4 stars; one submission).

Conditions:
Ullrich congenital muscular dystrophy 1B (UCMD1B). Identifiers: MedGen C5935582, MONDO:0958235, OMIM 620727.

Submission:

Egypt Genome Project
Classification: Uncertain significance for Ullrich congenital muscular dystrophy 1B. Last evaluated: 2026-02-01. Review status: criteria provided, single submitter. Criteria: ACMG Guidelines, 2015. Collection method: research. Allele origin: germline. Affected: yes.
Comment: The NM_001849.3c.1572+5G>C variant is classified as a un uncertain significance variant based on the ACMG/AMP criteria (PP3, PM2, PM3)

NM_001849.4(COL6A2):c.1572+5G>C

Gene: COL6A2 (collagen type VI alpha 2 chain; plus strand). Cytogenetic location: 21q22.3.
Variant type: single nucleotide variant.
Coding change: c.1572+5G>C on transcript NM_001849.4 (MANE Select); 5 bases into the intron after coding-DNA position 1572, G replaced by C.
Molecular consequence: intron variant.
Genome position (GRCh38, 1-based): chr21:46,122,163, G>C. VCF-style: chr21-46122163-G-C. GRCh37 (hg19) VCF-style: chr21-47542077-G-C.
Other names: c.1572+5G>C (NM_058175.3, NM_058174.3).
Identifiers: ClinVar variation 4849859 (VCV004849859.1).